The following is an entry in ClinVar:

NM_015346.4(ZFYVE26):c.6762G>A (p.Leu2254=)

Gene: ZFYVE26 (zinc finger FYVE-type containing 26; minus strand). Cytogenetic location: 14q24.1.
Variant type: single nucleotide variant.
Coding change: c.6762G>A on transcript NM_015346.4 (MANE Select); coding-DNA position 6762, G replaced by A.
Protein change: p.Leu2254=; no amino-acid change (leucine 2254 retained).
Molecular consequence: synonymous variant.
Genome position (GRCh38, 1-based): chr14:67,755,972, C>T on the plus strand (G>A on the coding strand, the complement: ZFYVE26 is on the minus strand). VCF-style: chr14-67755972-C-T. GRCh37 (hg19) VCF-style: chr14-68222689-C-T.
Identifiers: ClinVar variation 1122593 (VCV001122593.10), dbSNP rs747600168, ClinGen allele CA7239154.

ClinVar aggregate classification (germline): Likely benign. Review status: criteria provided, multiple submitters, no conflicts (2 of 4 stars). 2 submissions from 2 submitters: Likely benign (2). Last evaluated 2026-07-01.

Conditions:
Spastic paraplegia. Identifiers: MedGen C0037772, HP:0001258.

Allele frequency attached by ClinVar (database versions not stated): gnomAD exomes 0.00001 and 0.00002; ExAC 0.00002; TOPMed 0.00006; gnomAD 0.00007 and 0.00009.
gnomAD v4.1: 28 of 1,614,258 alleles (0.0017%); highest among the groups gnomAD compares: African/African-American, 0.029%; no homozygotes.

Submissions (2):

CeGaT Center for Human Genetics Tuebingen
Classification: Likely benign. Last evaluated: 2026-07-01. Review status: criteria provided, single submitter. Criteria: CeGaT Center For Human Genetics Tuebingen Variant Classification Criteria Version 2. Collection method: clinical testing. Allele origin: germline. Affected: yes. Observed: 1 variant allele.
Comment: ZFYVE26: BP4, BP7

Labcorp Genetics (formerly Invitae), Labcorp
Classification: Likely benign for Spastic paraplegia. Last evaluated: 2025-05-24. Review status: criteria provided, single submitter. Criteria: Invitae Variant Classification Sherloc (09022015). Collection method: clinical testing. Allele origin: germline.